The following is an entry in ClinVar:

ClinVar aggregate classification (germline): Conflicting classifications of pathogenicity. Review status: criteria provided, conflicting classifications (1 of 4 stars). 3 submissions from 3 submitters: Uncertain significance (2); Likely benign (1). Last evaluated 2025-09-22.

Conditions:
Heterotopia, periventricular, X-linked dominant (PVNH1). Also called: PERIVENTRICULAR NODULAR HETEROTOPIA 1; X-linked periventricular heterotopia; PERIVENTRICULAR NODULAR HETEROTOPIA 4; HETEROTOPIA, PERIVENTRICULAR, 1. Identifiers: Orphanet 2149, Orphanet 82004, MedGen C1848213, MONDO:0010233, OMIM 300049.
Melnick-Needles syndrome (MNS). Also called: MELNICK-NEEDLES OSTEODYSPLASTY; OSTEODYSPLASTY OF MELNICK AND NEEDLES; Melnick-Needles Syndrome (FLNA-MNS). Identifiers: Orphanet 2484, MedGen C0025237, MONDO:0010650, OMIM 309350.
Frontometaphyseal dysplasia (FMD1). Identifiers: Orphanet 1826, MedGen C0265293, MONDO:0015942.
Oto-palato-digital syndrome, type II (OPD2). Also called: OPD II SYNDROME; FACIOPALATOOSSEOUS SYNDROME; Otopalatodigital Syndrome Type 2 (FLNA-OPD2); Otopalatodigital Syndrome, Type II. Identifiers: Orphanet 669, Orphanet 90652, MedGen C1844696, MONDO:0010571, OMIM 304120.
Familial thoracic aortic aneurysm and aortic dissection (TAAD). Also called: Thoracic aortic aneurysms and dissections. Identifiers: Orphanet 91387, MedGen C4707243, MONDO:0019625.

gnomAD v4.1: 3 of 1,211,506 alleles (0.00025%); highest among the groups gnomAD compares: Admixed American, 0.0043%; no homozygotes.

Submissions (3):

Labcorp Genetics (formerly Invitae), Labcorp
Classification: Likely benign for Oto-palato-digital syndrome, type II; Heterotopia, periventricular, X-linked dominant; Frontometaphyseal dysplasia; Melnick-Needles syndrome. Last evaluated: 2025-09-22. Review status: criteria provided, single submitter. Criteria: Invitae Variant Classification Sherloc (09022015). Collection method: clinical testing. Allele origin: germline.

GeneDx
Classification: Uncertain significance. Last evaluated: 2024-05-23. Review status: criteria provided, single submitter. Criteria: GeneDx Variant Classification Process June 2021. Collection method: clinical testing. Allele origin: germline. Affected: yes.
Comment: Not observed at significant frequency in large population cohorts (gnomAD); In silico analysis supports that this missense variant has a deleterious effect on protein structure/function; Has not been previously published as pathogenic or benign to our knowledge

Ambry Genetics
Classification: Uncertain significance for Familial thoracic aortic aneurysm and aortic dissection. Last evaluated: 2022-03-23. Review status: criteria provided, single submitter. Criteria: Ambry Variant Classification Scheme 2023. Collection method: clinical testing. Allele origin: germline.
Comment: The p.A877P variant (also known as c.2629G>C), located in coding exon 17 of the FLNA gene, results from a G to C substitution at nucleotide position 2629. The alanine at codon 877 is replaced by proline, an amino acid with highly similar properties. Based on data from gnomAD, the C allele has an overall frequency of 0.0011% (2/181304) total alleles studied, with 0 hemizygote(s) observed. The highest observed frequency was 0.0037% (1/27377) of Latin American alleles. This amino acid position is well conserved in available vertebrate species. In addition, the in silico prediction for this alteration is inconclusive. Since supporting evidence is limited at this time, the clinical significance of this alteration remains unclear.

NM_001110556.2(FLNA):c.2629G>C (p.Ala877Pro)

Gene: FLNA (filamin A; minus strand). Cytogenetic location: Xq28.
Variant type: single nucleotide variant.
Coding change: c.2629G>C on transcript NM_001110556.2 (MANE Select); coding-DNA position 2629, G replaced by C.
Protein change: p.Ala877Pro; replaces alanine 877 with proline.
Molecular consequence: missense variant.
Genome position (GRCh38, 1-based): chrX:154,362,269, C>G on the plus strand (G>C on the coding strand, the complement: FLNA is on the minus strand). VCF-style: chrX-154362269-C-G. GRCh37 (hg19) VCF-style: chrX-153590637-C-G.
Other names: c.2629G>C, p.Ala877Pro (NM_001456.4); short protein forms A877P.
Identifiers: ClinVar variation 1060042 (VCV001060042.12), dbSNP rs377046577, ClinGen allele CA415233448.